The following is an entry in ClinVar:

ClinVar aggregate classification (germline): Uncertain significance (1 of 4 stars; one submission).

Conditions:
Fanconi anemia, complementation group S (FANCS). Identifiers: MedGen C4554406, MONDO:0054748, OMIM 617883.

Submissions (2):

Department of Pathology and Laboratory Medicine, Sinai Health System
Classification: Uncertain significance for Fanconi anemia, complementation group S. Last evaluated: 2021-08-13. Review status: criteria provided, single submitter. Criteria: ACMG Guidelines, 2015. Collection method: clinical testing. Allele origin: germline.

Brotman Baty Institute, University of Washington
No classification provided (evidence only). Condition: Breast-ovarian cancer, familial 1. Review status: no classification provided. Collection method: in vitro. Allele origin: not applicable. Functional consequence: functionally_abnormal. Not counted in ClinVar's aggregate classification.
ClinVar note: "not provided" was previously submitted as the classification for the variant. However, the classification appeared to be based only on an observation of functional data so it was converted to no classification on 2025-07-30.

Literature cited by the submitters: PubMed 30209399 (cited by Department of Pathology and Laboratory Medicine, Sinai Health System).

NM_007294.4(BRCA1):c.182G>T (p.Cys61Phe)

Gene: BRCA1 (BRCA1 DNA repair associated; minus strand). Cytogenetic location: 17q21.31.
Variant type: single nucleotide variant.
Coding change: c.182G>T on transcript NM_007294.4 (MANE Select); coding-DNA position 182, G replaced by T.
Protein change: p.Cys61Phe; replaces cysteine 61 with phenylalanine.
Molecular consequence: missense variant. On other transcripts: non-coding transcript variant (1).
Genome position (GRCh38, 1-based): chr17:43,106,486, C>A on the plus strand (G>T on the coding strand, the complement: BRCA1 is on the minus strand). VCF-style: chr17-43106486-C-A. GRCh37 (hg19) VCF-style: chr17-41258503-C-A.
Other names: c.41G>T, p.Cys14Phe (NM_001407746.1, NM_001407747.1, NM_001407748.1 and 99 more transcripts); c.-7G>T (NM_001407853.1, NM_001407879.1, NM_001407881.1 and 58 more transcripts); c.182G>T, p.Cys61Phe (NM_001407854.1, NM_001407858.1, NM_001407859.1 and 168 more transcripts); short protein forms C61F, C14F.
Identifiers: ClinVar variation 867923 (VCV000867923.4), dbSNP rs80357093, ClinGen allele CA10601799.